The following is an entry in ClinVar:

ClinVar aggregate classification (germline): Conflicting classifications of pathogenicity. Review status: criteria provided, conflicting classifications (1 of 4 stars). 4 submissions from 4 submitters: Pathogenic (1); Likely pathogenic (1); Uncertain significance (1). 1 of the submissions does not count toward it. Last evaluated 2025-08-21.

Conditions:
Generalized epilepsy with febrile seizures plus, type 2 (GEFSP2). Also called: GEFS+, TYPE 2. Identifiers: Orphanet 36387, MedGen C1858673, MONDO:0011461, OMIM 604403.
Early-infantile DEE. Also called: Early infantile epileptic encephalopathy; Ohtahara syndrome; Early infantile epileptic encephalopathy with suppression bursts. Identifiers: Orphanet 1934, MedGen C0393706, MONDO:0800491.
Epileptic encephalopathy. Identifiers: MedGen C0543888, HP:0200134.

Submissions (4):

Labcorp Genetics (formerly Invitae), Labcorp
Classification: Pathogenic for Early-infantile DEE. Last evaluated: 2025-08-21. Review status: criteria provided, single submitter. Criteria: Invitae Variant Classification Sherloc (09022015). Collection method: clinical testing. Allele origin: germline.
Comment: This sequence change replaces serine, which is neutral and polar, with proline, which is neutral and non-polar, at codon 1346 of the SCN1A protein (p.Ser1346Pro). This variant is not present in population databases (gnomAD no frequency). This missense change has been observed in individual(s) with autosomal dominant SCN1A-related conditions (PMID: 35696452). In at least one individual the variant was observed to be de novo. ClinVar contains an entry for this variant (Variation ID: 530487). Invitae Evidence Modeling of protein sequence and biophysical properties (such as structural, functional, and spatial information, amino acid conservation, physicochemical variation, residue mobility, and thermodynamic stability) indicates that this missense variant is expected to disrupt SCN1A protein function with a positive predictive value of 95%. For these reasons, this variant has been classified as Pathogenic.

Revvity Omics, Revvity
Classification: Uncertain significance. Last evaluated: 2022-11-10. Review status: criteria provided, single submitter. Criteria: ACMG Guidelines, 2015. Collection method: clinical testing. Allele origin: germline.

Baylor Genetics
Classification: Likely pathogenic for Generalized epilepsy with febrile seizures plus, type 2. Last evaluated: 2018-03-25. Review status: criteria provided, single submitter. Criteria: ACMG Guidelines, 2015. Collection method: clinical testing. Allele origin: de novo. Affected: yes.
Comment: This variant was determined to be likely pathogenic according to ACMG Guidelines, 2015 [PMID:25741868].

Unidad de Genómica Garrahan, Hospital de Pediatría Garrahan
Classification: Likely pathogenic for Epileptic encephalopathy. Last evaluated: 2021-10-18. Review status: no assertion criteria provided. Collection method: clinical testing. Allele origin: germline. Affected: yes. Not counted in ClinVar's aggregate classification.

Literature cited by the submitters: PubMed 35696452 (cited by Labcorp Genetics (formerly Invitae), Labcorp).

NM_001165963.4(SCN1A):c.4036T>C (p.Ser1346Pro)

Genes: SCN1A (sodium voltage-gated channel alpha subunit 1; minus strand), LOC102724058 (uncharacterized LOC102724058; plus strand). Cytogenetic location: 2q24.3.
Variant type: single nucleotide variant.
Coding change: c.4036T>C on transcript NM_001165963.4 (MANE Select); coding-DNA position 4036, T replaced by C.
Protein change: p.Ser1346Pro; replaces serine 1346 with proline.
Molecular consequence: missense variant. On other transcripts: non-coding transcript variant (1).
Genome position (GRCh38, 1-based): chr2:166,002,720, A>G on the plus strand (T>C on the coding strand, the complement: SCN1A is on the minus strand). VCF-style: chr2-166002720-A-G. GRCh37 (hg19) VCF-style: chr2-166859230-A-G.
Other names: c.4036T>C (NM_001165963.3); c.3952T>C, p.Ser1318Pro (NM_001165964.3, NM_001353957.2, NM_001353958.2); c.4036T>C, p.Ser1346Pro (NM_001202435.3, NM_001353948.2); c.4003T>C, p.Ser1335Pro (NM_001353949.2, NM_001353950.2, NM_001353951.2 and 2 more transcripts); c.4000T>C, p.Ser1334Pro (NM_001353954.2, NM_001353955.2); c.3949T>C, p.Ser1317Pro (NM_001353960.2); c.1594T>C, p.Ser532Pro (NM_001353961.2); short protein forms S1335P, S1346P, S1318P, S1334P, S1317P, S532P.
Identifiers: ClinVar variation 530487 (VCV000530487.15), dbSNP rs1553525337, ClinGen allele CA349050752.